The following is an entry in ClinVar:

ClinVar aggregate classification (germline): Conflicting classifications of pathogenicity. Review status: criteria provided, conflicting classifications (1 of 4 stars). 3 submissions from 3 submitters: Uncertain significance (2); Likely benign (1). Last evaluated 2026-02-02.

Conditions:
Increased analgesia from kappa-opioid receptor agonist, female-specific. Identifiers: MedGen C2751296, OMIM 613098.
Melanoma, cutaneous malignant, susceptibility to, 5. Also called: Cutaneous malignant melanoma 5. Identifiers: Orphanet 618, MedGen C2751295, MONDO:0013133, OMIM 613099.

Allele frequency attached by ClinVar (database versions not stated): gnomAD 0.00023; ESP Exome Variant Server 0.00024; TOPMed 0.00026; gnomAD exomes 0.00031 and 0.00043; ExAC 0.00032.
gnomAD v4.1: 490 of 1,613,762 alleles (0.03%); highest among the groups gnomAD compares: Middle Eastern, 0.23%; 1 homozygote.

Submissions (3):

Labcorp Genetics (formerly Invitae), Labcorp
Classification: Uncertain significance for Melanoma, cutaneous malignant, susceptibility to, 5. Last evaluated: 2026-02-02. Review status: criteria provided, single submitter. Criteria: Invitae Variant Classification Sherloc (09022015). Collection method: clinical testing. Allele origin: germline.
Comment: This sequence change replaces lysine, which is basic and polar, with glutamic acid, which is acidic and polar, at codon 278 of the MC1R protein (p.Lys278Glu). This variant is present in population databases (rs201171524, gnomAD 0.09%), and has an allele count higher than expected for a pathogenic variant. This missense change has been observed in individual(s) with melanoma (PMID: 15221796, 15998953, 16601669, 16982779, 17434924, 18983535, 24982914). ClinVar contains an entry for this variant (Variation ID: 406214). Invitae Evidence Modeling of protein sequence and biophysical properties (such as structural, functional, and spatial information, amino acid conservation, physicochemical variation, residue mobility, and thermodynamic stability) indicates that this missense variant is not expected to disrupt MC1R protein function with a negative predictive value of 80%. In summary, the available evidence is currently insufficient to determine the role of this variant in disease. Therefore, it has been classified as a Variant of Uncertain Significance.

Baylor Genetics
Classification: Uncertain significance for Increased analgesia from kappa-opioid receptor agonist, female-specific. Last evaluated: 2023-12-05. Review status: criteria provided, single submitter. Criteria: ACMG Guidelines, 2015. Collection method: clinical testing. Allele origin: unknown.

Illumina Laboratory Services, Illumina
Classification: Likely benign for Melanoma, cutaneous malignant, susceptibility to, 5. Last evaluated: 2017-04-27. Review status: criteria provided, single submitter. Criteria: ICSL Variant Classification Criteria 13 December 2019. Collection method: clinical testing. Allele origin: germline.
Comment: This variant was observed as part of a predisposition screen in an ostensibly healthy population. A literature search was performed for the gene, cDNA change, and amino acid change (where applicable). Publications were found based on this search. The evidence from the literature, in combination with allele frequency data from public databases where available, was sufficient to determine this variant is unlikely to cause disease. Therefore, this variant is classified as likely benign.

Literature cited by the submitters: PubMed 15221796 (cited by Labcorp Genetics (formerly Invitae), Labcorp); PubMed 15998953 (cited by Labcorp Genetics (formerly Invitae), Labcorp); PubMed 16601669 (cited by Labcorp Genetics (formerly Invitae), Labcorp); PubMed 16982779 (cited by Labcorp Genetics (formerly Invitae), Labcorp); PubMed 17434924 (cited by Labcorp Genetics (formerly Invitae), Labcorp and Illumina Laboratory Services, Illumina); PubMed 18983535 (cited by Labcorp Genetics (formerly Invitae), Labcorp); PubMed 24982914 (cited by Labcorp Genetics (formerly Invitae), Labcorp); PubMed 18067130 (cited by Illumina Laboratory Services, Illumina); PubMed 18402696 (cited by Illumina Laboratory Services, Illumina); PubMed 20043015 (cited by Illumina Laboratory Services, Illumina).

NM_002386.4(MC1R):c.832A>G (p.Lys278Glu)

Gene: MC1R (melanocortin 1 receptor; plus strand). Cytogenetic location: 16q24.3.
Variant type: single nucleotide variant.
Coding change: c.832A>G on transcript NM_002386.4 (MANE Select); coding-DNA position 832, A replaced by G.
Protein change: p.Lys278Glu; replaces lysine 278 with glutamic acid.
Molecular consequence: missense variant.
Genome position (GRCh38, 1-based): chr16:89,920,090, A>G. VCF-style: chr16-89920090-A-G. GRCh37 (hg19) VCF-style: chr16-89986498-A-G.
Other names: short protein forms K278E.
Identifiers: ClinVar variation 406214 (VCV000406214.15), dbSNP rs201171524, ClinGen allele CA8255769.